The following is an entry in ClinVar:

NM_152564.5(VPS13B):c.6887T>C (p.Val2296Ala)

Gene: VPS13B (vacuolar protein sorting 13 homolog B; plus strand). Cytogenetic location: 8q22.2.
Variant type: single nucleotide variant.
Coding change: c.6887T>C on transcript NM_152564.5 (MANE Select); coding-DNA position 6887, T replaced by C.
Protein change: p.Val2296Ala; replaces valine 2296 with alanine.
Molecular consequence: missense variant.
Genome position (GRCh38, 1-based): chr8:99,720,884, T>C. VCF-style: chr8-99720884-T-C. GRCh37 (hg19) VCF-style: chr8-100733112-T-C.
Other names: c.6962T>C, p.Val2321Ala (NM_017890.5); short protein forms V2296A.
Identifiers: ClinVar variation 167831 (VCV000167831.6), dbSNP rs727504218, ClinGen allele CA235224.

ClinVar aggregate classification (germline): Uncertain significance. Review status: criteria provided, multiple submitters, no conflicts (2 of 4 stars). 2 submissions from 2 submitters: Uncertain significance (2). Last evaluated 2025-02-27.

Conditions:
Cohen syndrome (COH1). Also called: Cutis verticis gyrata, retinitis pigmentosa, and sensorineural deafness; PEPPER SYNDROME. Identifiers: Orphanet 193, MedGen C0265223, MONDO:0008999, OMIM 216550.

Allele frequency attached by ClinVar (database versions not stated): gnomAD exomes 0.00001 and 0.00002; ExAC 0.00002.
gnomAD v4.1: 9 of 1,613,670 alleles (0.00056%); highest among the groups gnomAD compares: South Asian, 0.0077%; no homozygotes.

Submissions (2):

Labcorp Genetics (formerly Invitae), Labcorp
Classification: Uncertain significance for Cohen syndrome. Last evaluated: 2025-02-27. Review status: criteria provided, single submitter. Criteria: Invitae Variant Classification Sherloc (09022015). Collection method: clinical testing. Allele origin: germline.
Comment: This sequence change replaces valine, which is neutral and non-polar, with alanine, which is neutral and non-polar, at codon 2321 of the VPS13B protein (p.Val2321Ala). This variant is present in population databases (rs727504218, gnomAD 0.01%). This variant has not been reported in the literature in individuals affected with VPS13B-related conditions. ClinVar contains an entry for this variant (Variation ID: 167831). Invitae Evidence Modeling of protein sequence and biophysical properties (such as structural, functional, and spatial information, amino acid conservation, physicochemical variation, residue mobility, and thermodynamic stability) indicates that this missense variant is not expected to disrupt VPS13B protein function with a negative predictive value of 80%. In summary, the available evidence is currently insufficient to determine the role of this variant in disease. Therefore, it has been classified as a Variant of Uncertain Significance.

Eurofins Ntd Llc (ga)
Classification: Uncertain significance. Last evaluated: 2014-02-19. Review status: criteria provided, single submitter. Criteria: EGL Classification Definitions 2015. Collection method: clinical testing. Allele origin: germline. Observed: 1 variant allele, 1 heterozygote.